The following is an entry in ClinVar:

NM_000091.5(COL4A3):c.765+3A>G

Genes: COL4A3 (collagen type IV alpha 3 chain; plus strand), MFF-DT (MFF divergent transcript; minus strand). Cytogenetic location: 2q36.3.
Variant type: single nucleotide variant.
Coding change: c.765+3A>G on transcript NM_000091.5 (MANE Select); 3 bases into the intron after coding-DNA position 765, A replaced by G.
Molecular consequence: intron variant.
Genome position (GRCh38, 1-based): chr2:227,253,641, A>G. VCF-style: chr2-227253641-A-G. GRCh37 (hg19) VCF-style: chr2-228118357-A-G.
Identifiers: ClinVar variation 3585990 (VCV003585990.2).

ClinVar aggregate classification (germline): Uncertain significance. Review status: criteria provided, multiple submitters, no conflicts (2 of 4 stars). 2 submissions from 2 submitters: Uncertain significance (2). Last evaluated 2026-07-09.

Conditions:
Autosomal dominant Alport syndrome (ATS3A). Also called: ALPORT SYNDROME 3A, AUTOSOMAL DOMINANT; Alport syndrome dominant type; Renal failure and sensorineural hearing loss. Identifiers: Orphanet 63, Orphanet 88918, MedGen C5882663, MONDO:0007086, OMIM 104200.
Hematuria, benign familial, 2 (BFH2). Identifiers: MedGen C5830421, MONDO:0958186, OMIM 620320.
Alport syndrome 3b, autosomal recessive. Identifiers: MedGen C5882699, MONDO:0957811, OMIM 620536.

Submissions (2):

Genetics laboratory, Institute of Kidney Diseases & Research Centre Dr. H.L. Trivedi Institute Of Transplantation Sciences
Classification: Uncertain significance for Autosomal dominant Alport syndrome. Last evaluated: 2026-07-09. Review status: criteria provided, single submitter. Criteria: ACMG Guidelines, 2015. Collection method: clinical testing. Allele origin: germline. Inheritance: Autosomal dominant inheritance. Affected: yes. Observed: 1 variant allele, 1 heterozygote.
Comment: A heterozygous intronic splice-region variant, c.765+3A>G, was identified in the COL4A3 gene. The variant is located at the +3 position of the donor splice site and has the potential to affect normal RNA splicing. However, there is currently insufficient evidence to demonstrate that this variant causes abnormal splicing or loss of gene function. In the absence of supportive functional studies or validated splice prediction evidence, the variant is classified as a Variant of Uncertain Significance (VUS) according to ACMG/AMP guidelines.

Fulgent Genetics
Classification: Uncertain significance for Autosomal dominant Alport syndrome; Hematuria, benign familial, 2; Alport syndrome 3b, autosomal recessive. Last evaluated: 2024-03-11. Review status: criteria provided, single submitter. Criteria: ACMG Guidelines, 2015. Collection method: clinical testing. Allele origin: germline.